The following is an entry in ClinVar:

ClinVar aggregate classification (germline): Pathogenic (1 of 4 stars; one submission).

Conditions:
Hemolytic uremic syndrome, atypical, susceptibility to, 1. Also called: AHUS, SUSCEPTIBILITY TO, 1. Identifiers: Orphanet 2134, Orphanet 90038, MedGen C2749604, MONDO:0009335, OMIM 235400. Disease mechanism: Other.

Submission:

MVZ Medizinische Genetik Mainz
Classification: Pathogenic for Hemolytic uremic syndrome, atypical, susceptibility to, 1. Last evaluated: 2021-12-08. Review status: criteria provided, single submitter. Criteria: UK Practice Guidelines For Variant Classification V4 01 2020. Collection method: clinical testing. Allele origin: germline. Inheritance: Autosomal dominant inheritance. Affected: yes. Observed: 1 variant allele.
Comment: ACMG Criteria: PVS1, PM2_SUP, PP4

NM_000186.4(CFH):c.245-1G>C

Gene: CFH (complement factor H; plus strand). Cytogenetic location: 1q31.3.
Variant type: single nucleotide variant.
Coding change: c.245-1G>C on transcript NM_000186.4 (MANE Select); the canonical splice acceptor site of the intron before coding-DNA position 245, G replaced by C.
Molecular consequence: splice acceptor variant.
Genome position (GRCh38, 1-based): chr1:196,673,856, G>C. VCF-style: chr1-196673856-G-C. GRCh37 (hg19) VCF-style: chr1-196642986-G-C.
Other names: c.245-1G>C (NM_001014975.3).
Identifiers: ClinVar variation 3234076 (VCV003234076.1), dbSNP rs1311814991, ClinGen allele CA343976129.